The following is an entry in ClinVar:

ClinVar aggregate classification (germline): Uncertain significance (1 of 4 stars; one submission).

Conditions:
Vici syndrome (VICIS). Identifiers: Orphanet 1493, MedGen C1855772, MONDO:0009452, OMIM 242840.

Allele frequency attached by ClinVar (database versions not stated): gnomAD exomes below 0.00001; gnomAD 0.00002.

Submission:

Labcorp Genetics (formerly Invitae), Labcorp
Classification: Uncertain significance for Vici syndrome. Last evaluated: 2021-08-30. Review status: criteria provided, single submitter. Criteria: Invitae Variant Classification Sherloc (09022015). Collection method: clinical testing. Allele origin: germline.
Comment: This variant, c.29_34dup, results in the insertion of 2 amino acid(s) to the EPG5 protein (p.Arg10_Ala11dup), but otherwise preserves the integrity of the reading frame. This variant is not present in population databases (ExAC no frequency). This variant has not been reported in the literature in individuals affected with EPG5-related conditions. Experimental studies and prediction algorithms are not available or were not evaluated, and the functional significance of this variant is currently unknown. In summary, the available evidence is currently insufficient to determine the role of this variant in disease. Therefore, it has been classified as a Variant of Uncertain Significance.

NM_020964.3(EPG5):c.29_34dup (p.Arg10_Ala11dup)

Gene: EPG5 (ectopic P-granules 5 autophagy tethering factor; minus strand). Cytogenetic location: 18q21.1.
Variant type: Duplication.
Coding change: c.29_34dup on transcript NM_020964.3 (MANE Select); coding-DNA positions 29 to 34, 6 bases duplicated (GGGCCA; older notation c.29_34dupGGGCCA).
Protein change: p.Arg10_Ala11dup.
Molecular consequence: inframe insertion.
Genome position (GRCh38, 1-based): chr18:45,967,206-45,967,211, TGGCCC duplicated on the plus strand (GGGCCA on the coding strand, the reverse complement: EPG5 is on the minus strand). VCF-style (leftmost placement, unchanged base first): chr18-45967205-T-TTGGCCC. GRCh37 (hg19) VCF-style: chr18-43547171-T-TTGGCCC.
Identifiers: ClinVar variation 1044326 (VCV001044326.7), dbSNP rs2051286087, ClinGen allele CA989886283.